The following is an entry in ClinVar:

ClinVar aggregate classification (germline): Uncertain significance (1 of 4 stars; one submission).

Allele frequency attached by ClinVar (database versions not stated): gnomAD exomes below 0.00001.
gnomAD v4.1: 1 of 1,614,080 alleles (0.000062%); highest among the groups gnomAD compares: Non-Finnish European, 0.000085%; no homozygotes.

Submission:

Labcorp Genetics (formerly Invitae), Labcorp
Classification: Uncertain significance. Last evaluated: 2022-03-10. Review status: criteria provided, single submitter. Criteria: Invitae Variant Classification Sherloc (09022015). Collection method: clinical testing. Allele origin: germline.
Comment: This sequence change replaces glycine, which is neutral and non-polar, with serine, which is neutral and polar, at codon 1881 of the CDH23 protein (p.Gly1881Ser). In summary, the available evidence is currently insufficient to determine the role of this variant in disease. Therefore, it has been classified as a Variant of Uncertain Significance. Algorithms developed to predict the effect of missense changes on protein structure and function are either unavailable or do not agree on the potential impact of this missense change (SIFT: "Deleterious"; PolyPhen-2: "Not Available"; Align-GVGD: "Class C55"). This variant has not been reported in the literature in individuals affected with CDH23-related conditions. This variant is not present in population databases (gnomAD no frequency).

NM_022124.6(CDH23):c.5641G>A (p.Gly1881Ser)

Gene: CDH23 (cadherin related 23; plus strand). Cytogenetic location: 10q22.1.
Variant type: single nucleotide variant.
Coding change: c.5641G>A on transcript NM_022124.6 (MANE Select); coding-DNA position 5641, G replaced by A.
Protein change: p.Gly1881Ser; replaces glycine 1881 with serine.
Molecular consequence: missense variant.
Genome position (GRCh38, 1-based): chr10:71,785,029, G>A. VCF-style: chr10-71785029-G-A. GRCh37 (hg19) VCF-style: chr10-73544786-G-A.
Other names: short protein forms G1881S.
Identifiers: ClinVar variation 1900356 (VCV001900356.5), dbSNP rs2494359759, ClinGen allele CA377146903.